The following is an entry in ClinVar:

ClinVar aggregate classification (germline): Uncertain significance (1 of 4 stars; one submission).

Allele frequency attached by ClinVar (database versions not stated): gnomAD exomes below 0.00001.
gnomAD v4.1: 3 of 1,614,132 alleles (0.00019%); highest among the groups gnomAD compares: Admixed American, 0.0033%; no homozygotes.

Submission:

Labcorp Genetics (formerly Invitae), Labcorp
Classification: Uncertain significance. Last evaluated: 2022-02-17. Review status: criteria provided, single submitter. Criteria: Invitae Variant Classification Sherloc (09022015). Collection method: clinical testing. Allele origin: germline.
Comment: Variants that disrupt the consensus splice site are a relatively common cause of aberrant splicing (PMID: 17576681, 9536098). Experimental studies and prediction algorithms are not available or were not evaluated, and the effect of this variant on mRNA splicing is currently unknown. In summary, the available evidence is currently insufficient to determine the role of this variant in disease. Therefore, it has been classified as a Variant of Uncertain Significance. This variant has not been reported in the literature in individuals affected with CDH3-related conditions. This variant is not present in population databases (gnomAD no frequency). This sequence change falls in intron 10 of the CDH3 gene. It does not directly change the encoded amino acid sequence of the CDH3 protein. It affects a nucleotide within the consensus splice site.

Literature cited by the submitters: PubMed 17576681; PubMed 9536098.

NM_001793.6(CDH3):c.1424+4C>T

Gene: CDH3 (cadherin 3; plus strand). Cytogenetic location: 16q22.1.
Variant type: single nucleotide variant.
Coding change: c.1424+4C>T on transcript NM_001793.6 (MANE Select); 4 bases into the intron after coding-DNA position 1424, C replaced by T.
Molecular consequence: intron variant.
Genome position (GRCh38, 1-based): chr16:68,684,828, C>T. VCF-style: chr16-68684828-C-T. GRCh37 (hg19) VCF-style: chr16-68718731-C-T.
Other names: c.1259+4C>T (NM_001317196.2); c.1424+4C>T (NM_001317195.3).
Identifiers: ClinVar variation 2090471 (VCV002090471.4), dbSNP rs1370978902, ClinGen allele CA2229888864.